The following is an entry in ClinVar:

NM_004260.4(RECQL4):c.1033C>T (p.Leu345=)

Gene: RECQL4 (RecQ like helicase 4; minus strand). Cytogenetic location: 8q24.3.
Variant type: single nucleotide variant.
Coding change: c.1033C>T on transcript NM_004260.4 (MANE Select); coding-DNA position 1033, C replaced by T.
Protein change: p.Leu345=; no amino-acid change (leucine 345 retained).
Molecular consequence: synonymous variant. On other transcripts: 5 prime UTR variant (16), non-coding transcript variant (3), intron variant (3).
Genome position (GRCh38, 1-based): chr8:144,516,086, G>A on the plus strand (C>T on the coding strand, the complement: RECQL4 is on the minus strand). VCF-style: chr8-144516086-G-A. GRCh37 (hg19) VCF-style: chr8-145741470-G-A.
Other names: c.1033C>T, p.Leu345= (NM_001413018.1, NM_001413019.1, NM_001413033.1 and 2 more transcripts); c.-39C>T (NM_001413021.1, NM_001413022.1, NM_001413023.1 and 7 more transcripts); c.904C>T, p.Leu302= (NM_001413025.1); c.-101C>T (NM_001413027.1, NM_001413030.1, NM_001413031.1 and 2 more transcripts); c.682C>T, p.Leu228= (NM_001413029.1); c.-308C>T (NM_001413043.1); c.954-17C>T (NM_001413017.1, NM_001413020.1); c.-22-17C>T (NM_001413034.1).
Identifiers: ClinVar variation 2838320 (VCV002838320.2), dbSNP rs2130717451, ClinGen allele CA463567454.

ClinVar aggregate classification (germline): Uncertain significance (1 of 4 stars; one submission).

Conditions:
Baller-Gerold syndrome (BGS). Also called: CRANIOSYNOSTOSIS WITH RADIAL DEFECTS. Identifiers: Orphanet 1225, MedGen C0265308, MONDO:0009039, OMIM 218600.

Allele frequency attached by ClinVar (database versions not stated): gnomAD exomes below 0.00001.
gnomAD v4.1: 1 of 1,612,682 alleles (0.000062%); highest among the groups gnomAD compares: South Asian, 0.0011%; no homozygotes.

Submission:

Labcorp Genetics (formerly Invitae), Labcorp
Classification: Uncertain significance for Baller-Gerold syndrome. Last evaluated: 2023-02-16. Review status: criteria provided, single submitter. Criteria: Invitae Variant Classification Sherloc (09022015). Collection method: clinical testing. Allele origin: germline.
Comment: In summary, the available evidence is currently insufficient to determine the role of this variant in disease. Therefore, it has been classified as a Variant of Uncertain Significance. Algorithms developed to predict the effect of sequence changes on RNA splicing suggest that this variant may create or strengthen a splice site. This variant has not been reported in the literature in individuals affected with RECQL4-related conditions. This variant is not present in population databases (gnomAD no frequency). This sequence change affects codon 345 of the RECQL4 mRNA. It is a 'silent' change, meaning that it does not change the encoded amino acid sequence of the RECQL4 protein.